The following is an entry in ClinVar:

NM_133433.4(NIPBL):c.7850_7851del (p.Gln2617fs)

Gene: NIPBL (NIPBL cohesin loading factor; plus strand). Cytogenetic location: 5p13.2.
Variant type: Deletion.
Coding change: c.7850_7851del on transcript NM_133433.4 (MANE Select); coding-DNA positions 7850 to 7851, 2 bases deleted (AG; older notation c.7850_7851delAG).
Protein change: p.Gln2617fs; shifts the reading frame from glutamine 2617.
Molecular consequence: frameshift variant.
Genome position (GRCh38, 1-based): chr5:37,061,008-37,061,009, AG deleted. VCF-style (leftmost placement, unchanged base first): chr5-37061007-CAG-C. GRCh37 (hg19) VCF-style: chr5-37061109-CAG-C.
Other names: c.7850_7851del, p.Gln2617fs (NM_015384.5); short protein forms Q2617fs.
Identifiers: ClinVar variation 862863 (VCV000862863.8), dbSNP rs1754603855, ClinGen allele CA916082699.

ClinVar aggregate classification (germline): Pathogenic (1 of 4 stars; one submission).

Conditions:
Cornelia de Lange syndrome 1 (CDLS1). Also called: TYPUS DEGENERATIVUS AMSTELODAMENSIS; Brachmann de Lange syndrome; NIPBL-Related Cornelia de Lange Syndrome. Identifiers: Orphanet 199, MedGen C4551851, MONDO:0007387, OMIM 122470.

Submission:

Labcorp Genetics (formerly Invitae), Labcorp
Classification: Pathogenic for Cornelia de Lange syndrome 1. Last evaluated: 2019-02-05. Review status: criteria provided, single submitter. Criteria: Invitae Variant Classification Sherloc (09022015). Collection method: clinical testing. Allele origin: germline.
Comment: For these reasons, this variant has been classified as Pathogenic. Loss-of-function variants in NIPBL are known to be pathogenic (PMID: 15318302, 19763162, 23505322, 29995837). This variant has not been reported in the literature in individuals with NIPBL-related conditions. This variant is not present in population databases (ExAC no frequency). This sequence change creates a premature translational stop signal (p.Gln2617Leufs*14) in the NIPBL gene. It is expected to result in an absent or disrupted protein product.

Literature cited by the submitters: PubMed 15318302; PubMed 19763162; PubMed 23505322; PubMed 29995837.